The following is an entry in ClinVar:

ClinVar aggregate classification (germline): Likely benign. Review status: criteria provided, multiple submitters, no conflicts (2 of 4 stars). 5 submissions from 5 submitters: Likely benign (5). Last evaluated 2026-09-21.

Conditions:
Cardiovascular phenotype. Identifiers: MedGen CN230736.
Autosomal recessive limb-girdle muscular dystrophy type 2J (LGMDR10). Also called: MUSCULAR DYSTROPHY, LIMB-GIRDLE, AUTOSOMAL RECESSIVE 10; Limb-girdle muscular dystrophy, type 2J. Identifiers: Orphanet 140922, MedGen C1837342, MONDO:0012127, OMIM 608807.
Dilated cardiomyopathy 1G (CMD1G). Identifiers: Orphanet 154, MedGen C1858763, MONDO:0011400, OMIM 604145.

Allele frequency attached by ClinVar (database versions not stated): gnomAD exomes below 0.00001; TOPMed 0.00001.
gnomAD v4.1: 1 of 1,613,710 alleles (0.000062%); highest among the groups gnomAD compares: Non-Finnish European, 0.000085%; no homozygotes.

Submissions (5):

Molecular Diagnostic Laboratory for Inherited Cardiovascular Disease, Montreal Heart Institute
Classification: Likely benign. Last evaluated: 2026-09-21. Review status: criteria provided, single submitter. Criteria: ACMG Guidelines, 2015. Collection method: clinical testing. Allele origin: germline. Affected: no.
Comment: BP7

CeGaT Center for Human Genetics Tuebingen
Classification: Likely benign. Last evaluated: 2024-10-01. Review status: criteria provided, single submitter. Criteria: CeGaT Center For Human Genetics Tuebingen Variant Classification Criteria Version 2. Collection method: clinical testing. Allele origin: germline. Affected: yes. Observed: 2 variant alleles.
Comment: TTN: BP4, BP7

Labcorp Genetics (formerly Invitae), Labcorp
Classification: Likely benign for Dilated cardiomyopathy 1G; Autosomal recessive limb-girdle muscular dystrophy type 2J. Last evaluated: 2023-04-28. Review status: criteria provided, single submitter. Criteria: Invitae Variant Classification Sherloc (09022015). Collection method: clinical testing. Allele origin: germline.

Ambry Genetics
Classification: Likely benign for Cardiovascular phenotype. Last evaluated: 2022-06-09. Review status: criteria provided, single submitter. Criteria: Ambry Variant Classification Scheme 2023. Collection method: clinical testing. Allele origin: germline.

Blueprint Genetics
Classification: Likely benign. Last evaluated: 2021-03-29. Review status: criteria provided, single submitter. Criteria: ACMG Guidelines, 2015. Collection method: clinical testing. Allele origin: germline.

NM_001267550.2(TTN):c.82350T>C (p.Tyr27450=)

Genes: TTN (titin; minus strand), TTN-AS1 (TTN antisense RNA 1; plus strand). Cytogenetic location: 2q31.2.
Variant type: single nucleotide variant.
Coding change: c.82350T>C on transcript NM_001267550.2 (MANE Select); coding-DNA position 82350, T replaced by C.
Protein change: p.Tyr27450=; no amino-acid change (tyrosine 27450 retained).
Molecular consequence: synonymous variant.
Genome position (GRCh38, 1-based): chr2:178,563,782, A>G on the plus strand (T>C on the coding strand, the complement: TTN is on the minus strand). VCF-style: chr2-178563782-A-G. GRCh37 (hg19) VCF-style: chr2-179428509-A-G.
Other names: c.77427T>C, p.Tyr25809= (NM_001256850.1); c.55155T>C, p.Tyr18385= (NM_003319.4); c.74646T>C, p.Tyr24882= (NM_133378.4); c.55530T>C, p.Tyr18510= (NM_133432.3); c.55731T>C, p.Tyr18577= (NM_133437.4).
Identifiers: ClinVar variation 413086 (VCV000413086.54), dbSNP rs1060503941, ClinGen allele CA16610369.